The following is an entry in ClinVar:

ClinVar aggregate classification (germline): Pathogenic. Review status: criteria provided, multiple submitters, no conflicts (2 of 4 stars). 4 submissions from 4 submitters: Pathogenic (4). Last evaluated 2025-06-04.

Conditions:
Developmental and epileptic encephalopathy, 11 (DEE11). Also called: Early infantile epileptic encephalopathy 11. Identifiers: Orphanet 1934, MedGen C3150987, MONDO:0013388, OMIM 613721.
Seizures, benign familial infantile, 3 (BFIS3). Also called: CONVULSIONS, BENIGN FAMILIAL INFANTILE, 3; Familial neonatal seizures. Identifiers: Orphanet 140927, Orphanet 306, MedGen C1843140, MONDO:0011904, OMIM 607745.
Complex neurodevelopmental disorder. Identifiers: Orphanet 528084, MedGen C5568766, MONDO:0100038.

Submissions (4):

Labcorp Genetics (formerly Invitae), Labcorp
Classification: Pathogenic for Seizures, benign familial infantile, 3; Developmental and epileptic encephalopathy, 11. Last evaluated: 2025-06-04. Review status: criteria provided, single submitter. Criteria: Invitae Variant Classification Sherloc (09022015). Collection method: clinical testing. Allele origin: germline.
Comment: This sequence change replaces arginine, which is basic and polar, with cysteine, which is neutral and slightly polar, at codon 937 of the SCN2A protein (p.Arg937Cys). This variant is not present in population databases (gnomAD no frequency). This missense change has been observed in individual(s) with clinical features of SCN2A-related conditions (PMID: 23020937, 28256214, 29655203, 31332282, 31957018). In at least one individual the variant was observed to be de novo. ClinVar contains an entry for this variant (Variation ID: 207080). Invitae Evidence Modeling of protein sequence and biophysical properties (such as structural, functional, and spatial information, amino acid conservation, physicochemical variation, residue mobility, and thermodynamic stability) indicates that this missense variant is expected to disrupt SCN2A protein function with a positive predictive value of 95%. For these reasons, this variant has been classified as Pathogenic.

GeneDx
Classification: Pathogenic. Last evaluated: 2024-07-17. Review status: criteria provided, single submitter. Criteria: GeneDx Variant Classification Process June 2021. Collection method: clinical testing. Allele origin: germline. Affected: yes.
Comment: Published functional studies demonstrate a damaging effect: complete loss of Nav 1.2-mediated currents (PMID: 30813884); Not observed at significant frequency in large population cohorts (gnomAD); In silico analysis supports that this missense variant has a deleterious effect on protein structure/function; This substitution is predicted to be within the pore forming loop between the S5 and S6 transmembrane segments of the second homologous domain; This variant is associated with the following publications: (PMID: 24579881, 26235986, 28256214, 23020937, 27824329, 24866042, 28628100, 25363768, 28191890, 28379373, 30048009, 25849321, 29655203, 31332282, 28714951, 31981491, 31957018, 31785789, 33004838, 32929885, 33769100, 37010102, 35982160, 33057194, 28867142, 31133750, 35982159, 38785537, 37578743, 36403551, 33731876, 35637276, 32090326, 30813884)

Breakthrough Genomics
Classification: Pathogenic for Developmental and epileptic encephalopathy, 11. Last evaluated: 2021-10-01. Review status: criteria provided, single submitter. Criteria: ACMG Guidelines, 2015. Collection method: clinical testing. Allele origin: germline. Affected: yes.
Comment: This variant was previously reported in a patient with severe non-syndromic intellectual disability [PMID: 30813884, 23020937]. Functional studies suggested the variant has destabilizing effect on the selectivity filter and affects the conductance of the channel [PMID: 30813884]. In addition, another missense variant (p.Arg937His) affecting the same codon of the identified variant has been reported as pathogenic in the context of early infantile epileptic encephalopathy 11 in the ClinVar database.

Fulgent Genetics
Classification: Pathogenic for Seizures, benign familial infantile, 3; Developmental and epileptic encephalopathy, 11. Last evaluated: 2018-10-31. Review status: criteria provided, single submitter. Criteria: ACMG Guidelines, 2015. Collection method: clinical testing. Allele origin: unknown.

Literature cited by the submitters: PubMed 23020937 (cited by Labcorp Genetics (formerly Invitae), Labcorp); PubMed 28256214 (cited by Labcorp Genetics (formerly Invitae), Labcorp); PubMed 29655203 (cited by Labcorp Genetics (formerly Invitae), Labcorp); PubMed 31332282 (cited by Labcorp Genetics (formerly Invitae), Labcorp); PubMed 31957018 (cited by Labcorp Genetics (formerly Invitae), Labcorp).

NM_001040142.2(SCN2A):c.2809C>T (p.Arg937Cys)

Gene: SCN2A (sodium voltage-gated channel alpha subunit 2; plus strand). Cytogenetic location: 2q24.3.
Variant type: single nucleotide variant.
Coding change: c.2809C>T on transcript NM_001040142.2 (MANE Select); coding-DNA position 2809, C replaced by T.
Protein change: p.Arg937Cys; replaces arginine 937 with cysteine.
Molecular consequence: missense variant.
Genome position (GRCh38, 1-based): chr2:165,344,801, C>T. VCF-style: chr2-165344801-C-T. GRCh37 (hg19) VCF-style: chr2-166201311-C-T.
Other names: p.R937C:CGC>TGC; p.Arg937Cys; c.2809C>T, p.Arg937Cys (NM_001040143.2, NM_001371246.1, NM_001371247.1 and 1 more transcripts); short protein forms R937C.
Identifiers: ClinVar variation 207080 (VCV000207080.11), dbSNP rs796053197, ClinGen allele CA318186.